The following is an entry in ClinVar:

NM_182961.4(SYNE1):c.18208-1G>A

Gene: SYNE1 (spectrin repeat containing nuclear envelope protein 1; minus strand). Cytogenetic location: 6q25.2.
Variant type: single nucleotide variant.
Coding change: c.18208-1G>A on transcript NM_182961.4 (MANE Select); the canonical splice acceptor site of the intron before coding-DNA position 18208, G replaced by A.
Molecular consequence: splice acceptor variant.
Genome position (GRCh38, 1-based): chr6:152,281,981, C>T on the plus strand (G>A on the coding strand, the complement: SYNE1 is on the minus strand). VCF-style: chr6-152281981-C-T. GRCh37 (hg19) VCF-style: chr6-152603116-C-T.
Other names: c.17995-1G>A (NM_033071.5).
Identifiers: ClinVar variation 1489537 (VCV001489537.6), dbSNP rs2153725036, ClinGen allele CA366096033.

ClinVar aggregate classification (germline): Likely pathogenic (1 of 4 stars; one submission).

Conditions:
Autosomal recessive ataxia, Beauce type. Also called: SYNE1-Related Autosomal Recessive Cerebellar Ataxia; Spinocerebellar ataxia, autosomal recessive 8; ATAXIA, RECESSIVE, OF BEAUCE; SYNE1 Deficiency. Identifiers: Orphanet 88644, MedGen C1853116, MONDO:0012549, OMIM 610743.
Emery-Dreifuss muscular dystrophy 4, autosomal dominant (EDMD4). Also called: EMERY-DREIFUSS MUSCULAR DYSTROPHY 4 WITH VARIABLE FEATURES. Identifiers: Orphanet 261, MedGen C2751807, MONDO:0013071, OMIM 612998.

Submission:

Labcorp Genetics (formerly Invitae), Labcorp
Classification: Likely pathogenic for Emery-Dreifuss muscular dystrophy 4, autosomal dominant; Autosomal recessive ataxia, Beauce type. Last evaluated: 2021-07-31. Review status: criteria provided, single submitter. Criteria: Invitae Variant Classification Sherloc (09022015). Collection method: clinical testing. Allele origin: germline.
Comment: In summary, the currently available evidence indicates that the variant is pathogenic, but additional data are needed to prove that conclusively. Therefore, this variant has been classified as Likely Pathogenic. Algorithms developed to predict the effect of sequence changes on RNA splicing suggest that this variant may disrupt the consensus splice site. This variant has not been reported in the literature in individuals affected with SYNE1-related conditions. This variant is not present in population databases (ExAC no frequency). This sequence change affects an acceptor splice site in intron 95 of the SYNE1 gene. It is expected to disrupt RNA splicing. Variants that disrupt the donor or acceptor splice site typically lead to a loss of protein function (PMID: 16199547), and loss-of-function variants in SYNE1 are known to be pathogenic (PMID: 19542096, 24319099, 27086870).

Literature cited by the submitters: PubMed 16199547; PubMed 19542096; PubMed 24319099; PubMed 27086870.